The following is an entry in ClinVar:

ClinVar aggregate classification (germline): Uncertain significance (1 of 4 stars; one submission).

Conditions:
Immunodeficiency 51 (IMD51). Also called: CANDIDIASIS, FAMILIAL, 5. Identifiers: Orphanet 1334, MedGen C4310803, MONDO:0013500, OMIM 613953.

Allele frequency attached by ClinVar (database versions not stated): TOPMed 0.00001.
gnomAD v4.1: 7 of 1,596,036 alleles (0.00044%); highest among the groups gnomAD compares: Non-Finnish European, 0.00059%; no homozygotes.

Submission:

Labcorp Genetics (formerly Invitae), Labcorp
Classification: Uncertain significance for Immunodeficiency 51. Last evaluated: 2021-09-29. Review status: criteria provided, single submitter. Criteria: Invitae Variant Classification Sherloc (09022015). Collection method: clinical testing. Allele origin: germline.
Comment: This sequence change results in a premature translational stop signal in the IL17RA gene (p.Glu603*). While this is not anticipated to result in nonsense mediated decay, it is expected to disrupt the last 264 amino acids of the IL17RA protein. In summary, the available evidence is currently insufficient to determine the role of this variant in disease. Therefore, it has been classified as a Variant of Uncertain Significance. Experimental studies and prediction algorithms are not available or were not evaluated, and the functional significance of this variant is currently unknown. This variant has not been reported in the literature in individuals with IL17RA-related conditions. This variant is not present in population databases (ExAC no frequency).

NM_014339.7(IL17RA):c.1807G>T (p.Glu603Ter)

Gene: IL17RA (interleukin 17 receptor A; plus strand). Cytogenetic location: 22q11.1.
Variant type: single nucleotide variant.
Coding change: c.1807G>T on transcript NM_014339.7 (MANE Select); coding-DNA position 1807, G replaced by T.
Protein change: p.Glu603Ter; replaces glutamic acid 603 with a stop codon.
Molecular consequence: nonsense.
Genome position (GRCh38, 1-based): chr22:17,109,026, G>T. VCF-style: chr22-17109026-G-T. GRCh37 (hg19) VCF-style: chr22-17589916-G-T.
Other names: c.1705G>T, p.Glu569Ter (NM_001289905.2); short protein forms E603*, E569*.
Identifiers: ClinVar variation 955366 (VCV000955366.7), dbSNP rs1484936517, ClinGen allele CA410219021.